The following is an entry in ClinVar:

ClinVar aggregate classification (germline): Uncertain significance (1 of 4 stars; one submission).

Conditions:
Muscular dystrophy-dystroglycanopathy (congenital with impaired intellectual development), type B, 14. Also called: Muscular dystrophy-dystroglycanopathy (congenital with intellectual disability), type B14; MUSCULAR DYSTROPHY, CONGENITAL, GMPPB-RELATED; Congenital muscular dystrophy-dystroglycanopathy with mental retardation, type B14. Identifiers: MedGen C3809221, MONDO:0014141, OMIM 615351.
Autosomal recessive limb-girdle muscular dystrophy type 2T. Also called: MUSCULAR DYSTROPHY-DYSTROGLYCANOPATHY, LIMB-GIRDLE, GMPPB-RELATED; MUSCULAR DYSTROPHY, LIMB-GIRDLE, TYPE 2T; Muscular dystrophy-dystroglycanopathy (limb-girdle), type c, 14; Limb-girdle muscular dystrophy-dystroglycanopathy, type C14. Identifiers: Orphanet 363623, MedGen C4518000, MONDO:0014142, OMIM 615352.
Muscular dystrophy-dystroglycanopathy (congenital with brain and eye anomalies), type A14. Also called: WALKER-WARBURG SYNDROME OR MUSCLE-EYE-BRAIN DISEASE, GMPPB-RELATED; Muscular dystrophy-dystroglycanopathy (congenital with brain and eye anomalies), type a, 14; Congenital Muscular Dystrophy-Dystroglycanopathy with Brain and Eye Anomalies Type A 14; Congenital muscular dystrophy-dystroglycanopathy with brain and eye anomalies, type A14. Identifiers: Orphanet 588, MedGen C3809216, MONDO:0014140, OMIM 615350.

Submission:

Labcorp Genetics (formerly Invitae), Labcorp
Classification: Uncertain significance for Autosomal recessive limb-girdle muscular dystrophy type 2T; Muscular dystrophy-dystroglycanopathy (congenital with brain and eye anomalies), type A14; Muscular dystrophy-dystroglycanopathy (congenital with impaired intellectual development), type B, 14. Last evaluated: 2024-09-01. Review status: criteria provided, single submitter. Criteria: Invitae Variant Classification Sherloc (09022015). Collection method: clinical testing. Allele origin: germline.
Comment: This sequence change replaces cysteine, which is neutral and slightly polar, with phenylalanine, which is neutral and non-polar, at codon 29 of the GMPPB protein (p.Cys29Phe). This variant is not present in population databases (gnomAD no frequency). This variant has not been reported in the literature in individuals affected with GMPPB-related conditions. Invitae Evidence Modeling of protein sequence and biophysical properties (such as structural, functional, and spatial information, amino acid conservation, physicochemical variation, residue mobility, and thermodynamic stability) indicates that this missense variant is not expected to disrupt GMPPB protein function with a negative predictive value of 80%. In summary, the available evidence is currently insufficient to determine the role of this variant in disease. Therefore, it has been classified as a Variant of Uncertain Significance.

NM_021971.4(GMPPB):c.86G>T (p.Cys29Phe)

Gene: GMPPB (GDP-mannose pyrophosphorylase B; minus strand). Cytogenetic location: 3p21.31.
Variant type: single nucleotide variant.
Coding change: c.86G>T on transcript NM_021971.4 (MANE Select); coding-DNA position 86, G replaced by T.
Protein change: p.Cys29Phe; replaces cysteine 29 with phenylalanine.
Molecular consequence: missense variant.
Genome position (GRCh38, 1-based): chr3:49,723,641, C>A on the plus strand (G>T on the coding strand, the complement: GMPPB is on the minus strand). VCF-style: chr3-49723641-C-A. GRCh37 (hg19) VCF-style: chr3-49761074-C-A.
Other names: c.86G>T, p.Cys29Phe (NM_013334.4); short protein forms C29F.
Identifiers: ClinVar variation 3752287 (VCV003752287.2).